The following is an entry in ClinVar:

ClinVar aggregate classification (germline): Uncertain significance (1 of 4 stars; one submission).

Conditions:
Kufor-Rakeb syndrome (KRS). Also called: PARKINSON DISEASE 9, AUTOSOMAL RECESSIVE, JUVENILE-ONSET. Identifiers: Orphanet 306674, Orphanet 314632, MedGen C1847640, MONDO:0011706, OMIM 606693.
Autosomal recessive spastic paraplegia type 78. Identifiers: Orphanet 513436, MedGen C5567893, MONDO:0014975, OMIM 617225.

Allele frequency attached by ClinVar (database versions not stated): TOPMed below 0.00001; gnomAD 0.00001; ExAC 0.00002.
gnomAD v4.1: 5 of 1,612,380 alleles (0.00031%); highest among the groups gnomAD compares: South Asian, 0.0011%; no homozygotes.

Submission:

Labcorp Genetics (formerly Invitae), Labcorp
Classification: Uncertain significance for Kufor-Rakeb syndrome; Autosomal recessive spastic paraplegia type 78. Last evaluated: 2021-08-20. Review status: criteria provided, single submitter. Criteria: Invitae Variant Classification Sherloc (09022015). Collection method: clinical testing. Allele origin: germline.
Comment: This sequence change replaces alanine with threonine at codon 651 of the ATP13A2 protein (p.Ala651Thr). The alanine residue is moderately conserved and there is a small physicochemical difference between alanine and threonine. This variant is present in population databases (rs778404620, ExAC 0.006%). This variant has not been reported in the literature in individuals affected with ATP13A2-related conditions. Advanced modeling of protein sequence and biophysical properties (such as structural, functional, and spatial information, amino acid conservation, physicochemical variation, residue mobility, and thermodynamic stability) performed at Invitae indicates that this missense variant is not expected to disrupt ATP13A2 protein function. In summary, the available evidence is currently insufficient to determine the role of this variant in disease. Therefore, it has been classified as a Variant of Uncertain Significance.

NM_022089.4(ATP13A2):c.1951G>A (p.Ala651Thr)

Gene: ATP13A2 (ATPase cation transporting 13A2; minus strand). Cytogenetic location: 1p36.13.
Variant type: single nucleotide variant.
Coding change: c.1951G>A on transcript NM_022089.4 (MANE Select); coding-DNA position 1951, G replaced by A.
Protein change: p.Ala651Thr; replaces alanine 651 with threonine.
Molecular consequence: missense variant.
Genome position (GRCh38, 1-based): chr1:16,992,297, C>T on the plus strand (G>A on the coding strand, the complement: ATP13A2 is on the minus strand). VCF-style: chr1-16992297-C-T. GRCh37 (hg19) VCF-style: chr1-17318792-C-T.
Other names: c.1936G>A, p.Ala646Thr (NM_001141973.3, NM_001141974.3); short protein forms A646T, A651T.
Identifiers: ClinVar variation 1427100 (VCV001427100.6), dbSNP rs778404620, ClinGen allele CA637028.